The following is an entry in ClinVar:

ClinVar aggregate classification (germline): Benign/Likely benign. Review status: criteria provided, multiple submitters, no conflicts (2 of 4 stars). 29 submissions from 22 submitters: Benign (16); Likely benign (6). 7 of the submissions do not count toward it. Last evaluated 2026-02-04.

Conditions:
TTN-related disorder. Also called: TTN-related condition; TTN-related disease; TTN-related disorders.
Cardiovascular phenotype. Identifiers: MedGen CN230736.
Autosomal recessive limb-girdle muscular dystrophy type 2J (LGMDR10). Also called: Limb-girdle muscular dystrophy, type 2J; MUSCULAR DYSTROPHY, LIMB-GIRDLE, AUTOSOMAL RECESSIVE 10. Identifiers: Orphanet 140922, MedGen C1837342, MONDO:0012127, OMIM 608807.
Dilated cardiomyopathy 1G (CMD1G). Identifiers: Orphanet 154, MedGen C1858763, MONDO:0011400, OMIM 604145.
Early-onset myopathy with fatal cardiomyopathy (CMYO5). Also called: Salih Myopathy; CONGENITAL MYOPATHY 5 WITH CARDIOMYOPATHY. Identifiers: Orphanet 289377, MedGen C2673677, MONDO:0012714, OMIM 611705. Disease mechanism: loss of function.
Myopathy, myofibrillar, 9, with early respiratory failure (MFM9). Also called: Hereditary myopathy with early respiratory failure; EDSTROM MYOPATHY; MYOPATHY, PROXIMAL, WITH EARLY RESPIRATORY MUSCLE INVOLVEMENT; Myopathy, distal, with early respiratory failure, autosomal dominant. Identifiers: Orphanet 178464, Orphanet 34521, MedGen C1863599, MONDO:0011362, OMIM 603689.
Tibial muscular dystrophy (TMD). Also called: UDD MYOPATHY; Udd Distal Myopathy – Tibial Muscular Dystrophy; Tibial muscular dystrophy, tardive. Identifiers: Orphanet 609, MedGen C1838244, MONDO:0010870, OMIM 600334.

Allele frequency attached by ClinVar (database versions not stated): 1000 Genomes Project 0.00739; 1000 Genomes Project 30x 0.00765; TOPMed 0.01283; gnomAD 0.01453 and 0.01455; gnomAD exomes 0.01463 and 0.01796; ExAC 0.01478; ESP Exome Variant Server 0.01504.
gnomAD v4.1: 28,328 of 1,613,520 alleles (1.8%); highest among the groups gnomAD compares: Non-Finnish European, 2%; 304 homozygotes.

Submissions (29):

Labcorp Genetics (formerly Invitae), Labcorp
Classification: Benign for Dilated cardiomyopathy 1G; Autosomal recessive limb-girdle muscular dystrophy type 2J. Last evaluated: 2026-02-04. Review status: criteria provided, single submitter. Criteria: Invitae Variant Classification Sherloc (09022015). Collection method: clinical testing. Allele origin: germline.

ARUP Laboratories, Molecular Genetics and Genomics, ARUP Laboratories
Classification: Benign. Last evaluated: 2025-07-10. Review status: criteria provided, single submitter. Criteria: ARUP Molecular Germline Variant Investigation Process 2024. Collection method: clinical testing. Allele origin: germline.

Molecular Diagnostic Laboratory for Inherited Cardiovascular Disease, Montreal Heart Institute
Classification: Likely benign. Last evaluated: 2025-04-09. Review status: criteria provided, single submitter. Criteria: ACMG Guidelines, 2015. Collection method: clinical testing. Allele origin: germline. Affected: no.

Blueprint Genetics
Classification: Benign. Last evaluated: 2024-11-26. Review status: criteria provided, single submitter. Criteria: ACMG Guidelines, 2015. Collection method: clinical testing. Allele origin: germline.

Women's Health and Genetics/Laboratory Corporation of America, LabCorp
Classification: Likely benign. Last evaluated: 2024-03-11. Review status: criteria provided, single submitter. Criteria: LabCorp Variant Classification Summary - May 2015. Collection method: clinical testing. Allele origin: germline.

Athena Diagnostics
Classification: Benign. Last evaluated: 2023-12-08. Review status: criteria provided, single submitter. Criteria: Athena Diagnostics Criteria. Collection method: clinical testing. Allele origin: unknown.

Genome-Nilou Lab
Classification: Benign for Autosomal recessive limb-girdle muscular dystrophy type 2J. Last evaluated: 2021-09-10. Review status: criteria provided, single submitter. Criteria: ACMG Guidelines, 2015. Collection method: clinical testing. Allele origin: germline. Affected: no.

Genome-Nilou Lab
Classification: Benign for Myopathy, myofibrillar, 9, with early respiratory failure. Last evaluated: 2021-09-10. Review status: criteria provided, single submitter. Criteria: ACMG Guidelines, 2015. Collection method: clinical testing. Allele origin: germline. Affected: no.

Genome-Nilou Lab
Classification: Benign for Early-onset myopathy with fatal cardiomyopathy. Last evaluated: 2021-09-10. Review status: criteria provided, single submitter. Criteria: ACMG Guidelines, 2015. Collection method: clinical testing. Allele origin: germline. Affected: no.

Genome-Nilou Lab
Classification: Benign for Tibial muscular dystrophy. Last evaluated: 2021-09-10. Review status: criteria provided, single submitter. Criteria: ACMG Guidelines, 2015. Collection method: clinical testing. Allele origin: germline. Affected: no.

Mayo Clinic Laboratories, Mayo Clinic
Classification: Benign. Last evaluated: 2018-05-08. Review status: criteria provided, single submitter. Criteria: ACMG Guidelines, 2015. Collection method: clinical testing. Allele origin: germline. Observed: 71 variant alleles.

Illumina Laboratory Services, Illumina
Classification: Likely benign for Dilated cardiomyopathy 1G. Last evaluated: 2018-01-13. Review status: criteria provided, single submitter. Criteria: ICSL Variant Classification Criteria 13 December 2019. Collection method: clinical testing. Allele origin: germline.
Comment: This variant was observed in the ICSL laboratory as part of a predisposition screen in an ostensibly healthy population. It had not been previously curated by ICSL or reported in the Human Gene Mutation Database (HGMD: prior to June 1st, 2018), and was therefore a candidate for classification through an automated scoring system. Utilizing variant allele frequency, disease prevalence and penetrance estimates, and inheritance mode, an automated score was calculated to assess if this variant is too frequent to cause the disease. Based on the score and internal cut-off values, a variant classified as likely benign is not then subjected to further curation. The score for this variant resulted in a classification of likely benign for this disease.

Illumina Laboratory Services, Illumina
Classification: Benign for Myopathy, myofibrillar, 9, with early respiratory failure. Last evaluated: 2018-01-13. Review status: criteria provided, single submitter. Criteria: ICSL Variant Classification Criteria 13 December 2019. Collection method: clinical testing. Allele origin: germline.
Comment: This variant was observed in the ICSL laboratory as part of a predisposition screen in an ostensibly healthy population. It had not been previously curated by ICSL or reported in the Human Gene Mutation Database (HGMD: prior to June 1st, 2018), and was therefore a candidate for classification through an automated scoring system. Utilizing variant allele frequency, disease prevalence and penetrance estimates, and inheritance mode, an automated score was calculated to assess if this variant is too frequent to cause the disease. Based on the score and internal cut-off values, a variant classified as benign is not then subjected to further curation. The score for this variant resulted in a classification of benign for this disease.

Illumina Laboratory Services, Illumina
Classification: Likely benign for Early-onset myopathy with fatal cardiomyopathy. Last evaluated: 2018-01-13. Review status: criteria provided, single submitter. Criteria: ICSL Variant Classification Criteria 13 December 2019. Collection method: clinical testing. Allele origin: germline.
Comment: the same text as in the submission from Illumina Laboratory Services, Illumina above.

Illumina Laboratory Services, Illumina
Classification: Benign for Tibial muscular dystrophy. Last evaluated: 2018-01-13. Review status: criteria provided, single submitter. Criteria: ICSL Variant Classification Criteria 13 December 2019. Collection method: clinical testing. Allele origin: germline.
Comment: the same text as in the submission from Illumina Laboratory Services, Illumina above.

Illumina Laboratory Services, Illumina
Classification: Likely benign for Autosomal recessive limb-girdle muscular dystrophy type 2J. Last evaluated: 2018-01-13. Review status: criteria provided, single submitter. Criteria: ICSL Variant Classification Criteria 13 December 2019. Collection method: clinical testing. Allele origin: germline.
Comment: the same text as in the submission from Illumina Laboratory Services, Illumina above.

GeneDx
Classification: Benign. Last evaluated: 2013-10-30. Review status: criteria provided, single submitter. Criteria: GeneDx Variant Classification (06012015). Collection method: clinical testing. Allele origin: germline. Affected: yes.
Comment: This variant is considered likely benign or benign based on one or more of the following criteria: it is a conservative change, it occurs at a poorly conserved position in the protein, it is predicted to be benign by multiple in silico algorithms, and/or has population frequency not consistent with disease.

Genetic Services Laboratory, University of Chicago
Classification: Benign for AllHighlyPenetrant. Last evaluated: 2013-08-15. Review status: criteria provided, single submitter. Criteria: ACMG Guidelines, 2007. Collection method: clinical testing. Allele origin: germline.

Biesecker Lab/Clinical Genomics Section, National Institutes of Health
Classification: Benign. Last evaluated: 2013-06-24. Review status: criteria provided, single submitter. Criteria: Ng et al. (Circ Cardiovasc Genet. 2013). Collection method: research. Allele origin: unknown. Observed: 17 variant alleles. Study: ClinSeq.
Comment: The study set was not selected for affection status in relation to any cancer. Pathogenicity categories were based on literature curation. See Pubmed ID:23861362 for details.

Medical sequencing

Ambry Genetics
Classification: Benign for Cardiovascular phenotype. Last evaluated: 2013-03-27. Review status: criteria provided, single submitter. Criteria: Ambry Autosomal Dominant and X-Linked criteria (10/2015). Collection method: clinical testing. Allele origin: germline. Observed: 1 variant allele.

Laboratory for Molecular Medicine, Mass General Brigham Personalized Medicine
Classification: Benign. Last evaluated: 2012-03-26. Review status: criteria provided, single submitter. Criteria: LMM Criteria. Collection method: clinical testing. Allele origin: germline. Observed: 58 variant alleles.
Comment: Asp24027His in exon 275 of TTN: This variant is classified as benign based on it s high frequency in the general population (dbSNP rs56307213; NHLBI Exome Sequen cing Project).

Breakthrough Genomics
Classification: Likely benign. Review status: criteria provided, single submitter. Criteria: ACMG Guidelines, 2015. Collection method: not provided. Allele origin: germline. Inheritance: Autosomal recessive inheritance. Affected: yes.

PreventionGenetics, part of Exact Sciences
Classification: Benign for TTN-related condition. Last evaluated: 2019-04-08. Review status: no assertion criteria provided. Collection method: clinical testing. Allele origin: germline. Not counted in ClinVar's aggregate classification.
Comment: This variant is classified as benign based on ACMG/AMP sequence variant interpretation guidelines (Richards et al. 2015 PMID: 25741868, with internal and published modifications).

Clinical Genetics DNA and cytogenetics Diagnostics Lab, Erasmus MC, Erasmus Medical Center
Classification: Benign. Review status: no assertion criteria provided. Collection method: clinical testing. Allele origin: germline. Affected: yes. Study: VKGL Data-share Consensus. Not counted in ClinVar's aggregate classification.

Clinical Genetics, Academic Medical Center
Classification: Benign. Review status: no assertion criteria provided. Collection method: clinical testing. Allele origin: germline. Affected: yes. Study: VKGL Data-share Consensus. Not counted in ClinVar's aggregate classification.

Diagnostic Laboratory, Department of Genetics, University Medical Center Groningen
Classification: Likely benign. Review status: no assertion criteria provided. Collection method: clinical testing. Allele origin: germline. Affected: yes. Study: VKGL Data-share Consensus. Not counted in ClinVar's aggregate classification.

Genome Diagnostics Laboratory, University Medical Center Utrecht
Classification: Benign. Review status: no assertion criteria provided. Collection method: clinical testing. Allele origin: germline. Affected: yes. Study: VKGL Data-share Consensus. Not counted in ClinVar's aggregate classification.

Joint Genome Diagnostic Labs from Nijmegen and Maastricht, Radboudumc and MUMC+
Classification: Benign. Review status: no assertion criteria provided. Collection method: clinical testing. Allele origin: germline. Affected: yes. Study: VKGL Data-share Consensus. Not counted in ClinVar's aggregate classification.

Laboratory of Diagnostic Genome Analysis, Leiden University Medical Center (LUMC)
Classification: Likely benign. Review status: no assertion criteria provided. Collection method: clinical testing. Allele origin: germline. Affected: yes. Study: VKGL Data-share Consensus. Not counted in ClinVar's aggregate classification.

Literature cited by the submitters: PubMed 17344846 (cited by Athena Diagnostics).

NM_001267550.2(TTN):c.79783G>C (p.Asp26595His)

Genes: TTN (titin; minus strand), TTN-AS1 (TTN antisense RNA 1; plus strand). Cytogenetic location: 2q31.2.
Variant type: single nucleotide variant.
Coding change: c.79783G>C on transcript NM_001267550.2 (MANE Select); coding-DNA position 79783, G replaced by C.
Protein change: p.Asp26595His; replaces aspartic acid 26595 with histidine.
Molecular consequence: missense variant.
Genome position (GRCh38, 1-based): chr2:178,566,349, C>G on the plus strand (G>C on the coding strand, the complement: TTN is on the minus strand). VCF-style: chr2-178566349-C-G. GRCh37 (hg19) VCF-style: chr2-179431076-C-G.
Other names: p.D24027H:GAC>CAC; c.74860G>C, p.Asp24954His (NM_001256850.1); c.72079G>C, p.Asp24027His (NM_133378.4); c.52588G>C, p.Asp17530His (NM_003319.4); c.52963G>C, p.Asp17655His (NM_133432.3); c.53164G>C, p.Asp17722His (NM_133437.4); short protein forms D26595H, D24027H, D24954H, D17530H, D17722H, D17655H.
Identifiers: ClinVar variation 47380 (VCV000047380.60), dbSNP rs56307213, ClinGen allele CA283844.